The following is an entry in ClinVar:

NM_001101362.3(KBTBD13):c.195G>A (p.Leu65=)

Gene: KBTBD13 (kelch repeat and BTB domain containing 13; plus strand). Cytogenetic location: 15q22.31.
Variant type: single nucleotide variant.
Coding change: c.195G>A on transcript NM_001101362.3 (MANE Select); coding-DNA position 195, G replaced by A.
Protein change: p.Leu65=; no amino-acid change (leucine 65 retained).
Molecular consequence: synonymous variant.
Genome position (GRCh38, 1-based): chr15:65,077,010, G>A. VCF-style: chr15-65077010-G-A. GRCh37 (hg19) VCF-style: chr15-65369348-G-A.
Identifiers: ClinVar variation 3664793 (VCV003664793.2).

ClinVar aggregate classification (germline): Uncertain significance (1 of 4 stars; one submission).

Conditions:
Nemaline myopathy 6 (NEM6). Also called: Nemaline myopathy 6, autosomal dominant. Identifiers: Orphanet 171439, MedGen C1836472, MONDO:0012237, OMIM 609273.

gnomAD v4.1: 45 of 1,513,950 alleles (0.003%); highest among the groups gnomAD compares: Non-Finnish European, 0.0038%; no homozygotes.

Submission:

Labcorp Genetics (formerly Invitae), Labcorp
Classification: Uncertain significance for Nemaline myopathy 6. Last evaluated: 2025-11-27. Review status: criteria provided, single submitter. Criteria: Invitae Variant Classification Sherloc (09022015). Collection method: clinical testing. Allele origin: germline.
Comment: This sequence change affects codon 65 of the KBTBD13 mRNA. It is a 'silent' change, meaning that it does not change the encoded amino acid sequence of the KBTBD13 protein. This variant is present in population databases (no rsID available, gnomAD 0.01%). This variant has not been reported in the literature in individuals affected with KBTBD13-related conditions. ClinVar contains an entry for this variant (Variation ID: 3664793). In summary, the available evidence is currently insufficient to determine the role of this variant in disease. Therefore, it has been classified as a Variant of Uncertain Significance.